The following is an entry in ClinVar:

ClinVar aggregate classification (germline): Uncertain significance (1 of 4 stars; one submission).

Submission:

GeneDx
Classification: Uncertain significance. Last evaluated: 2025-01-28. Review status: criteria provided, single submitter. Criteria: GeneDx Variant Classification Process June 2021. Collection method: clinical testing. Allele origin: germline.
Comment: Not observed at significant frequency in large population cohorts (gnomAD); In silico analysis supports that this missense variant has a deleterious effect on protein structure/function; Has not been previously published as pathogenic or benign to our knowledge

NM_183075.3(CYP2U1):c.1448T>C (p.Phe483Ser)

Gene: CYP2U1 (cytochrome P450 family 2 subfamily U member 1; plus strand). Cytogenetic location: 4q25.
Variant type: single nucleotide variant.
Coding change: c.1448T>C on transcript NM_183075.3 (MANE Select); coding-DNA position 1448, T replaced by C.
Protein change: p.Phe483Ser; replaces phenylalanine 483 with serine.
Molecular consequence: missense variant.
Genome position (GRCh38, 1-based): chr4:107,949,509, T>C. VCF-style: chr4-107949509-T-C. GRCh37 (hg19) VCF-style: chr4-108870665-T-C.
Other names: short protein forms F483S.
Identifiers: ClinVar variation 3367322 (VCV003367322.2).